The following is an entry in ClinVar:

NM_000238.4(KCNH2):c.2777C>T (p.Pro926Leu)

Gene: KCNH2 (potassium voltage-gated channel subfamily H member 2; minus strand). Cytogenetic location: 7q36.1.
Variant type: single nucleotide variant.
Coding change: c.2777C>T on transcript NM_000238.4 (MANE Select); coding-DNA position 2777, C replaced by T.
Protein change: p.Pro926Leu; replaces proline 926 with leucine.
Molecular consequence: missense variant.
Genome position (GRCh38, 1-based): chr7:150,947,794, G>A on the plus strand (C>T on the coding strand, the complement: KCNH2 is on the minus strand). VCF-style: chr7-150947794-G-A. GRCh37 (hg19) VCF-style: chr7-150644882-G-A.
Other names: p.Pro926Leu; c.1757C>T, p.Pro586Leu (NM_172057.3); short protein forms P586L, P926L.
Identifiers: ClinVar variation 848808 (VCV000848808.11), dbSNP rs996063617, ClinGen allele CA169072602.

ClinVar aggregate classification (germline): Uncertain significance. Review status: criteria provided, multiple submitters, no conflicts (2 of 4 stars). 5 submissions from 5 submitters: Uncertain significance (5). Last evaluated 2025-09-19.

Conditions:
Cardiovascular phenotype. Identifiers: MedGen CN230736.
Cardiac arrhythmia. Also called: Arrhythmia; Cardiac rhythm disease. Identifiers: MedGen C0003811, MONDO:0007263, HP:0011675.
Long QT syndrome (LQTS). Identifiers: MedGen C0023976, MeSH D008133, MONDO:0002442. Disease mechanism: loss of function. Inheritance: Various modes of inheritance.

Allele frequency attached by ClinVar (database versions not stated): gnomAD 0.00002; gnomAD exomes 0.00002 and 0.00001; TOPMed 0.00004.
gnomAD v4.1: 20 of 1,532,544 alleles (0.0013%); highest among the groups gnomAD compares: African/African-American, 0.0041%; no homozygotes.

Submissions (5):

Ambry Genetics
Classification: Uncertain significance for Cardiovascular phenotype. Last evaluated: 2025-09-19. Review status: criteria provided, single submitter. Criteria: Ambry Variant Classification Scheme 2023. Collection method: clinical testing. Allele origin: germline.
Comment: The p.P926L variant (also known as c.2777C>T), located in coding exon 12 of the KCNH2 gene, results from a C to T substitution at nucleotide position 2777. The proline at codon 926 is replaced by leucine, an amino acid with similar properties. This amino acid position is not well conserved in available vertebrate species. In addition, the in silico prediction for this alteration is inconclusive. Based on the available evidence, the clinical significance of this variant remains unclear.

Mayo Clinic Laboratories, Mayo Clinic
Classification: Uncertain significance. Last evaluated: 2025-04-03. Review status: criteria provided, single submitter. Criteria: ACMG Guidelines, 2015. Collection method: clinical testing. Allele origin: germline. Observed: 1 variant allele.
Comment: PP2, PM2_supporting

Labcorp Genetics (formerly Invitae), Labcorp
Classification: Uncertain significance for Long QT syndrome. Last evaluated: 2024-12-08. Review status: criteria provided, single submitter. Criteria: Invitae Variant Classification Sherloc (09022015). Collection method: clinical testing. Allele origin: germline.
Comment: This sequence change replaces proline, which is neutral and non-polar, with leucine, which is neutral and non-polar, at codon 926 of the KCNH2 protein (p.Pro926Leu). The frequency data for this variant in the population databases is considered unreliable, as metrics indicate poor data quality at this position in the gnomAD database. This variant has not been reported in the literature in individuals affected with KCNH2-related conditions. ClinVar contains an entry for this variant (Variation ID: 848808). An algorithm developed to predict the effect of missense changes on protein structure and function outputs the following: PolyPhen-2: "Benign". The leucine amino acid residue is found in multiple mammalian species, which suggests that this missense change does not adversely affect protein function. In summary, the available evidence is currently insufficient to determine the role of this variant in disease. Therefore, it has been classified as a Variant of Uncertain Significance.

Color Diagnostics, LLC DBA Color Health
Classification: Uncertain significance for Cardiac arrhythmia. Last evaluated: 2024-03-06. Review status: criteria provided, single submitter. Criteria: ACMG Guidelines, 2015. Collection method: clinical testing. Allele origin: germline.
Comment: This missense variant replaces proline with leucine at codon 926 of the KCNH2 protein. Computational prediction is inconclusive regarding the impact of this variant on protein structure and function (internally defined REVEL score threshold 0.5 < inconclusive < 0.7, PMID: 27666373). To our knowledge, functional studies have not been reported for this variant. This variant has not been reported in individuals affected with cardiovascular disorders in the literature. This variant has been identified in 2/129484 chromosomes in the general population by the Genome Aggregation Database (gnomAD). The available evidence is insufficient to determine the role of this variant in disease conclusively. Therefore, this variant is classified as a Variant of Uncertain Significance.

All of Us Research Program, National Institutes of Health
Classification: Uncertain significance for Long QT syndrome. Last evaluated: 2023-07-19. Review status: criteria provided, single submitter. Criteria: ACMG Guidelines, 2015. Collection method: clinical testing. Allele origin: germline. Inheritance: Autosomal dominant inheritance. Observed: 1 variant allele, 1 heterozygote.
Comment: This missense variant replaces proline with leucine at codon 926 of the KCNH2 protein. Computational prediction is inconclusive regarding the impact of this variant on protein structure and function (internally defined REVEL score threshold 0.5 < inconclusive < 0.7, PMID: 27666373). To our knowledge, functional studies have not been reported for this variant. This variant has not been reported in individuals affected with cardiovascular disorders in the literature. This variant has been identified in 2/129484 chromosomes in the general population by the Genome Aggregation Database (gnomAD). The available evidence is insufficient to determine the role of this variant in disease conclusively. Therefore, this variant is classified as a Variant of Uncertain Significance.

This study involves interpretation of variants in research participants for the purpose of population health screening. Participant phenotype was not available at the time of variant classification. Additional details can be found in publication PMID: 35346344, PMCID: PMC8962531